The following is an entry in ClinVar:

ClinVar aggregate classification (germline): Uncertain significance. Review status: criteria provided, multiple submitters, no conflicts (2 of 4 stars). 2 submissions from 2 submitters: Uncertain significance (2). Last evaluated 2025-09-10.

Conditions:
Inborn genetic diseases. Identifiers: MedGen C0950123, MeSH D030342.

Allele frequency attached by ClinVar (database versions not stated): gnomAD exomes 0.00001; TOPMed 0.00001; ExAC 0.00002.
gnomAD v4.1: 8 of 1,612,932 alleles (0.0005%); highest among the groups gnomAD compares: East Asian, 0.0022%; no homozygotes.

Submissions (2):

Labcorp Genetics (formerly Invitae), Labcorp
Classification: Uncertain significance. Last evaluated: 2025-09-10. Review status: criteria provided, single submitter. Criteria: Invitae Variant Classification Sherloc (09022015). Collection method: clinical testing. Allele origin: germline.
Comment: This sequence change replaces valine, which is neutral and non-polar, with isoleucine, which is neutral and non-polar, at codon 1629 of the ATR protein (p.Val1629Ile). This variant is present in population databases (rs763291989, gnomAD 0.003%). This variant has not been reported in the literature in individuals affected with ATR-related conditions. ClinVar contains an entry for this variant (Variation ID: 1743815). An algorithm developed to predict the effect of missense changes on protein structure and function (PolyPhen-2) suggests that this variant is likely to be disruptive. In summary, the available evidence is currently insufficient to determine the role of this variant in disease. Therefore, it has been classified as a Variant of Uncertain Significance.

Ambry Genetics
Classification: Uncertain significance for Inborn genetic diseases. Last evaluated: 2021-10-27. Review status: criteria provided, single submitter. Criteria: Ambry Variant Classification Scheme 2023. Collection method: clinical testing. Allele origin: germline.
Comment: The p.V1629I variant (also known as c.4885G>A), located in coding exon 28 of the ATR gene, results from a G to A substitution at nucleotide position 4885. The valine at codon 1629 is replaced by isoleucine, an amino acid with highly similar properties. This amino acid position is conserved. In addition, this alteration is predicted to be tolerated by in silico analysis. Since supporting evidence is limited at this time, the clinical significance of this alteration remains unclear.

NM_001184.4(ATR):c.4885G>A (p.Val1629Ile)

Gene: ATR (ATR checkpoint kinase; minus strand). Cytogenetic location: 3q23.
Variant type: single nucleotide variant.
Coding change: c.4885G>A on transcript NM_001184.4 (MANE Select); coding-DNA position 4885, G replaced by A.
Protein change: p.Val1629Ile; replaces valine 1629 with isoleucine.
Molecular consequence: missense variant.
Genome position (GRCh38, 1-based): chr3:142,508,077, C>T on the plus strand (G>A on the coding strand, the complement: ATR is on the minus strand). VCF-style: chr3-142508077-C-T. GRCh37 (hg19) VCF-style: chr3-142226919-C-T.
Other names: c.4693G>A, p.Val1565Ile (NM_001354579.2); short protein forms V1629I, V1565I.
Identifiers: ClinVar variation 1743815 (VCV001743815.5), dbSNP rs763291989, ClinGen allele CA2649722.